The following is an entry in ClinVar:

NM_031935.3(HMCN1):c.14742T>C (p.Asn4914=)

Gene: HMCN1 (hemicentin 1; plus strand). Cytogenetic location: 1q31.1.
Variant type: single nucleotide variant.
Coding change: c.14742T>C on transcript NM_031935.3 (MANE Select); coding-DNA position 14742, T replaced by C.
Protein change: p.Asn4914=; no amino-acid change (asparagine 4914 retained).
Molecular consequence: synonymous variant.
Genome position (GRCh38, 1-based): chr1:186,151,333, T>C. VCF-style: chr1-186151333-T-C. GRCh37 (hg19) VCF-style: chr1-186120465-T-C.
Other names: c.14742T>C (NM_031935.2).
Identifiers: ClinVar variation 1911429 (VCV001911429.7), dbSNP rs754127646, ClinGen allele CA1295037.
Genomic context (GRCh38, chr1:186,151,333, plus strand): 5'-TGCCACAATAACTGATAGCCCTAACTCTGATACTAGAATAATACGTGCCAAAATTACCAA[T>C]GTACCTCGTAGTCTTGGTAAGTCTTTGCCTCAAGCCTCTTTTTAAAAACTTATATATTAT-3'
Protein context (NP_114141.2, residues 4904-4924): DTRIIRAKIT[Asn4914=]VPRSLGSAMR

ClinVar aggregate classification (germline): Benign. Review status: criteria provided, single submitter (1 of 4 stars). 2 submissions from 2 submitters: Benign (1). 1 of the submissions does not count toward it. Last evaluated 2024-10-03.

Conditions:
HMCN1-related disorder. Also called: HMCN1-related condition.

Allele frequency attached by ClinVar (database versions not stated): TOPMed 0.00002.
gnomAD v4.1: 25 of 1,613,400 alleles (0.0015%); highest among the groups gnomAD compares: Admixed American, 0.038%; no homozygotes.

Submissions (2):

Labcorp Genetics (formerly Invitae), Labcorp
Classification: Benign. Last evaluated: 2024-10-03. Review status: criteria provided, single submitter. Criteria: Invitae Variant Classification Sherloc (09022015). Collection method: clinical testing. Allele origin: germline.

PreventionGenetics, part of Exact Sciences
Classification: Likely benign for HMCN1-related condition. Last evaluated: 2019-08-07. Review status: no assertion criteria provided. Collection method: clinical testing. Allele origin: germline. Not counted in ClinVar's aggregate classification.
Comment: This variant is classified as likely benign based on ACMG/AMP sequence variant interpretation guidelines (Richards et al. 2015 PMID: 25741868, with internal and published modifications).